The following is an entry in ClinVar:

NM_000321.3(RB1):c.1843A>G (p.Lys615Glu)

Gene: RB1 (RB transcriptional corepressor 1; plus strand). Cytogenetic location: 13q14.2.
Variant type: single nucleotide variant.
Coding change: c.1843A>G on transcript NM_000321.3 (MANE Select); coding-DNA position 1843, A replaced by G.
Protein change: p.Lys615Glu; replaces lysine 615 with glutamic acid.
Molecular consequence: missense variant.
Genome position (GRCh38, 1-based): chr13:48,456,232, A>G. VCF-style: chr13-48456232-A-G. GRCh37 (hg19) VCF-style: chr13-49030368-A-G.
Other names: c.1843A>G, p.Lys615Glu (NM_001407165.1); short protein forms K615E.
Identifiers: ClinVar variation 2772855 (VCV002772855.4), dbSNP rs2542363996, ClinGen allele CA388165743.

ClinVar aggregate classification (germline): Uncertain significance. Review status: criteria provided, multiple submitters, no conflicts (2 of 4 stars). 2 submissions from 2 submitters: Uncertain significance (2). Last evaluated 2026-07-06.

Conditions:
Retinoblastoma (RB1). Also called: RETINOBLASTOMA, SOMATIC. Identifiers: Orphanet 790, MedGen C0035335, MeSH D012175, MONDO:0008380, OMIM 180200, HP:0009919. Disease mechanism: loss of function. Inheritance: Both sporadic and heritable forms are tested..
Hereditary cancer-predisposing syndrome. Also called: Hereditary Cancer Syndrome; Hereditary neoplastic syndrome; Neoplastic Syndromes, Hereditary; Tumor predisposition. Identifiers: Orphanet 140162, MedGen C0027672, MeSH D009386, MONDO:0015356.

Allele frequency attached by ClinVar (database versions not stated): gnomAD exomes below 0.00001.
gnomAD v4.1: 1 of 1,614,126 alleles (0.000062%); no homozygotes.

Submissions (2):

Ambry Genetics
Classification: Uncertain significance for Hereditary cancer-predisposing syndrome. Last evaluated: 2026-07-06. Review status: criteria provided, single submitter. Criteria: Ambry Variant Classification Scheme 2023. Collection method: clinical testing. Allele origin: germline.
Comment: The p.K615E variant (also known as c.1843A>G), located in coding exon 19 of the RB1 gene, results from an A to G substitution at nucleotide position 1843. The lysine at codon 615 is replaced by glutamic acid, an amino acid with similar properties. This amino acid position is conserved. In addition, the in silico prediction for this alteration is inconclusive. Based on the available evidence, the clinical significance of this variant remains unclear.

Labcorp Genetics (formerly Invitae), Labcorp
Classification: Uncertain significance for Retinoblastoma. Last evaluated: 2023-10-30. Review status: criteria provided, single submitter. Criteria: Invitae Variant Classification Sherloc (09022015). Collection method: clinical testing. Allele origin: germline.
Comment: This sequence change replaces lysine, which is basic and polar, with glutamic acid, which is acidic and polar, at codon 615 of the RB1 protein (p.Lys615Glu). This variant is not present in population databases (gnomAD no frequency). This variant has not been reported in the literature in individuals affected with RB1-related conditions. Advanced modeling of protein sequence and biophysical properties (such as structural, functional, and spatial information, amino acid conservation, physicochemical variation, residue mobility, and thermodynamic stability) performed at Invitae indicates that this missense variant is not expected to disrupt RB1 protein function with a negative predictive value of 80%. In summary, the available evidence is currently insufficient to determine the role of this variant in disease. Therefore, it has been classified as a Variant of Uncertain Significance.